The following is an entry in ClinVar:

NM_001166108.2(PALLD):c.3204_3207del (p.His1069fs)

Genes: CBR4 (carbonyl reductase 4; minus strand), PALLD (palladin, cytoskeletal associated protein; plus strand). Cytogenetic location: 4q32.3.
Variant type: Microsatellite.
Coding change: c.3204_3207del on transcript NM_001166108.2 (MANE Select); coding-DNA positions 3204 to 3207, 4 bases deleted (TCAC; older notation c.3204_3207delTCAC).
Protein change: p.His1069fs; shifts the reading frame from histidine 1069.
Molecular consequence: frameshift variant.
Genome position (GRCh38, 1-based): chr4:168,924,400-168,924,403, TCAC deleted; deleting any 4 consecutive bases within chr4:168,924,392-168,924,403 gives the same sequence; the c. name uses the placement nearest the transcript's 3' end. VCF-style (leftmost placement, unchanged base first): chr4-168924391-ATCAC-A. GRCh37 (hg19) VCF-style: chr4-169845542-ATCAC-A.
Other names: c.2007_2010del, p.His670fs (NM_001166109.2); c.1692_1695del, p.His565fs (NM_001166110.2); c.1032_1035del, p.His345fs (NM_001367567.1, NM_001367569.1); c.1083_1086del, p.His362fs (NM_001367568.1, NM_001367570.1); c.3153_3156del, p.His1052fs (NM_016081.4); short protein forms H565fs, H670fs, H1052fs, H1069fs, H345fs, H362fs.
Identifiers: ClinVar variation 3885340 (VCV003885340.1).

ClinVar aggregate classification (germline): Uncertain significance (1 of 4 stars; one submission).

Submission:

Ambry Genetics
Classification: Uncertain significance. Last evaluated: 2025-02-25. Review status: criteria provided, single submitter. Criteria: Ambry Variant Classification Scheme 2023. Collection method: clinical testing. Allele origin: germline.
Comment: The c.1692_1695delTCAC variant, located in coding exon 9 of the PALLD gene, results from a deletion of 4 nucleotides at nucleotide positions 1692 to 1695, causing a translational frameshift with a predicted alternate stop codon (p.H565Afs*5). This alteration is expected to result in loss of function by premature protein truncation or nonsense-mediated mRNA decay. The evidence for this gene-disease relationship is limited; therefore, the clinical significance of this alteration is unclear.